The following is an entry in ClinVar:

NM_003072.5(SMARCA4):c.4869G>C (p.Lys1623Asn)

Gene: SMARCA4 (SWI/SNF related BAF chromatin remodeling complex subunit ATPase 4; plus strand). Cytogenetic location: 19p13.2.
Variant type: single nucleotide variant.
Coding change: c.4869G>C on transcript NM_003072.5 (MANE Select); coding-DNA position 4869, G replaced by C.
Protein change: p.Lys1623Asn; replaces lysine 1623 with asparagine.
Molecular consequence: missense variant. On other transcripts: non-coding transcript variant (1).
Genome position (GRCh38, 1-based): chr19:11,060,145, G>C. VCF-style: chr19-11060145-G-C. GRCh37 (hg19) VCF-style: chr19-11170821-G-C.
Other names: c.4869G>C, p.Lys1623Asn (NM_001128844.3); c.4779G>C, p.Lys1593Asn (NM_001128845.2); c.4776G>C, p.Lys1592Asn (NM_001128846.2); c.4770G>C, p.Lys1590Asn (NM_001128847.4, NM_001374457.1); c.4767G>C, p.Lys1589Asn (NM_001128848.2); c.4965G>C, p.Lys1655Asn (NM_001128849.3, NM_001387283.1); c.4866G>C, p.Lys1622Asn (NM_001411150.1); short protein forms K1592N, K1593N, K1623N, K1589N, K1622N, K1590N, K1655N.
Identifiers: ClinVar variation 3798927 (VCV003798927.1).

ClinVar aggregate classification (germline): Uncertain significance (1 of 4 stars; one submission).

Conditions:
Hereditary cancer-predisposing syndrome. Also called: Neoplastic Syndromes, Hereditary; Hereditary Cancer Syndrome; Tumor predisposition; Hereditary neoplastic syndrome. Identifiers: Orphanet 140162, MedGen C0027672, MeSH D009386, MONDO:0015356.

Submission:

Ambry Genetics
Classification: Uncertain significance for Hereditary cancer-predisposing syndrome. Last evaluated: 2025-03-03. Review status: criteria provided, single submitter. Criteria: Ambry Variant Classification Scheme 2023. Collection method: clinical testing. Allele origin: germline.
Comment: The p.K1655N variant (also known as c.4965G>C), located in coding exon 34 of the SMARCA4 gene, results from a G to C substitution at nucleotide position 4965. The lysine at codon 1655 is replaced by asparagine, an amino acid with similar properties. This amino acid position is conserved. In addition, this alteration is predicted to be tolerated by in silico analysis. Based on the available evidence, the clinical significance of this variant remains unclear.